The following is an entry in ClinVar:

NM_006767.4(LZTR1):c.1846G>C (p.Glu616Gln)

Gene: LZTR1 (leucine zipper like post translational regulator 1; plus strand). Cytogenetic location: 22q11.21.
Variant type: single nucleotide variant.
Coding change: c.1846G>C on transcript NM_006767.4 (MANE Select); coding-DNA position 1846, G replaced by C.
Protein change: p.Glu616Gln; replaces glutamic acid 616 with glutamine.
Molecular consequence: missense variant.
Genome position (GRCh38, 1-based): chr22:20,994,930, G>C. VCF-style: chr22-20994930-G-C. GRCh37 (hg19) VCF-style: chr22-21349219-G-C.
Other names: short protein forms E616Q.
Identifiers: ClinVar variation 1377646 (VCV001377646.6), dbSNP rs1924773761, ClinGen allele CA410778585.

ClinVar aggregate classification (germline): Uncertain significance (1 of 4 stars; one submission).

Submission:

Labcorp Genetics (formerly Invitae), Labcorp
Classification: Uncertain significance. Last evaluated: 2025-11-01. Review status: criteria provided, single submitter. Criteria: Invitae Variant Classification Sherloc (09022015). Collection method: clinical testing. Allele origin: germline.
Comment: This sequence change replaces glutamic acid, which is acidic and polar, with glutamine, which is neutral and polar, at codon 616 of the LZTR1 protein (p.Glu616Gln). This variant is not present in population databases (gnomAD no frequency). This variant has not been reported in the literature in individuals affected with LZTR1-related conditions. ClinVar contains an entry for this variant (Variation ID: 1377646). Invitae Evidence Modeling of protein sequence and biophysical properties (such as structural, functional, and spatial information, amino acid conservation, physicochemical variation, residue mobility, and thermodynamic stability) indicates that this missense variant is not expected to disrupt LZTR1 protein function with a negative predictive value of 80%. In summary, the available evidence is currently insufficient to determine the role of this variant in disease. Therefore, it has been classified as a Variant of Uncertain Significance.